The following is an entry in ClinVar:

ClinVar aggregate classification (germline): Uncertain significance (1 of 4 stars; one submission).

Conditions:
Dilated cardiomyopathy 1W (CMD1W). Identifiers: Orphanet 154, MedGen C1969639, MONDO:0012667, OMIM 611407.

Submission:

Labcorp Genetics (formerly Invitae), Labcorp
Classification: Uncertain significance for Dilated cardiomyopathy 1W. Last evaluated: 2018-07-17. Review status: criteria provided, single submitter. Criteria: Invitae Variant Classification Sherloc (09022015). Collection method: clinical testing. Allele origin: germline.
Comment: This variant is a gross deletion of the genomic region encompassing exon 1 of the VCL gene, which includes the initiator codon. The 5' end of this event is unknown as it extends beyond the assayed region for this gene and therefore may encompass additional genes. The 3' boundary is likely confined to intron 1 of the VCL gene. This is expected to result in an absent or disrupted protein product. This variant has not been reported in the literature in individuals with VCL-related disease. The current clinical and genetic evidence is not sufficient to establish whether loss-of-function variants in VCL cause disease. In summary, the available evidence is currently insufficient to determine the role of this variant in disease. Therefore, it has been classified as a Variant of Uncertain Significance.

NC_000010.11:g.(?_73998188)_(73998395_?)del

Genes: VCL (vinculin; plus strand), LOC130004109 (ATAC-STARR-seq lymphoblastoid active region 3587; plus strand). Cytogenetic location: 10q22.2.
Variant type: Deletion.
Identifiers: ClinVar variation 651810 (VCV000651810.1).